The following is an entry in ClinVar:

ClinVar aggregate classification (germline): Uncertain significance (1 of 4 stars; one submission).

Submission:

Ambry Genetics
Classification: Uncertain significance. Last evaluated: 2025-03-27. Review status: criteria provided, single submitter. Criteria: Ambry Variant Classification Scheme 2023. Collection method: clinical testing. Allele origin: germline.
Comment: The c.171_173dupCAG variant (also known as p.S57dup), located in coding exon 2 of the RAD51B gene, results from an in-frame duplication of CAG at nucleotide positions 171 to 173. This results in the duplication of an extra serine residue between codons 57 and 58. This amino acid position is highly conserved in available vertebrate species. In addition, the in silico prediction for this alteration is inconclusive (Choi Y et al. PLoS ONE. 2012; 7(10):e46688). Based on the available evidence, the clinical significance of this variant remains unclear.

NM_133510.4(RAD51B):c.168CAG[3] (p.Ser57_Arg58insSer)

Gene: RAD51B (RAD51 paralog B; plus strand). Cytogenetic location: 14q24.1.
Variant type: Microsatellite.
Coding change: c.168CAG[3] on transcript NM_133510.4 (MANE Select); three copies in a row of the 3-base unit CAG starting at c.168; the reference has two copies in a row; one copy, 3 bases duplicated.
Protein change: p.Ser57_Arg58insSer.
Molecular consequence: 5 prime UTR variant (on NM_001321817.2).
Genome position (GRCh38, 1-based): chr14:67,825,550-67,825,552, CAG duplicated; duplicating any 3 consecutive bases within chr14:67,825,547-67,825,552 gives the same sequence; the position shown is the placement nearest the transcript's 3' end. VCF-style (leftmost placement, unchanged base first): chr14-67825546-T-TCAG. GRCh37 (hg19) VCF-style: chr14-68292263-T-TCAG.
Other names: c.168CAG[3], p.Ser57_Arg58insSer (NM_001321809.2, NM_001321810.2, NM_001321812.1 and 6 more transcripts); c.54CAG[3], p.Ser19_Arg20insSer (NM_001321815.1); c.-288CAG[3] (NM_001321817.2).
Identifiers: ClinVar variation 3942256 (VCV003942256.1).